The following is an entry in ClinVar:

NC_000019.9:g.(?_45682555)_(45683163_?)dup

Gene: BLOC1S3 (biogenesis of lysosomal organelles complex 1 subunit 3; plus strand). Cytogenetic location: 19q13.32.
Variant type: Duplication.
Identifiers: ClinVar variation 1413076 (VCV001413076.4).

ClinVar aggregate classification (germline): Uncertain significance (1 of 4 stars; one submission).

Submission:

Labcorp Genetics (formerly Invitae), Labcorp
Classification: Uncertain significance. Last evaluated: 2022-04-22. Review status: criteria provided, single submitter. Criteria: Invitae Variant Classification Sherloc (09022015). Collection method: clinical testing. Allele origin: germline.
Comment: A copy number gain of the genomic region encompassing the full coding sequence of the BLOC1S3 gene has been identified. The boundaries of this event are unknown as they extend beyond the assayed region for this gene and therefore may encompass additional genes. As the precise location of this event is unknown, it may be in tandem or it may be located elsewhere in the genome. This variant has not been reported in the literature in individuals affected with BLOC1S3-related conditions. In summary, the available evidence is currently insufficient to determine the role of this variant in disease. Therefore, it has been classified as a Variant of Uncertain Significance.